The following is an entry in ClinVar:

NM_006231.4(POLE):c.1082_1086dup (p.Asn363fs)

Gene: POLE (DNA polymerase epsilon, catalytic subunit; minus strand). Cytogenetic location: 12q24.33.
Variant type: Duplication.
Coding change: c.1082_1086dup on transcript NM_006231.4 (MANE Select); coding-DNA positions 1082 to 1086, 5 bases duplicated (CCTAC; older notation c.1082_1086dupCCTAC).
Protein change: p.Asn363fs; shifts the reading frame from asparagine 363.
Molecular consequence: frameshift variant.
Genome position (GRCh38, 1-based): chr12:132,675,755-132,675,759, GTAGG duplicated on the plus strand (CCTAC on the coding strand, the reverse complement: POLE is on the minus strand). VCF-style (leftmost placement, unchanged base first): chr12-132675754-T-TGTAGG. GRCh37 (hg19) VCF-style: chr12-133252340-T-TGTAGG.
Other names: short protein forms N363fs.
Identifiers: ClinVar variation 240375 (VCV000240375.14), dbSNP rs878854838, ClinGen allele CA10583022.

ClinVar aggregate classification (germline): Conflicting classifications of pathogenicity. Review status: criteria provided, conflicting classifications (1 of 4 stars). 2 submissions from 2 submitters: Pathogenic (1); Uncertain significance (1). Last evaluated 2026-02-05.

Conditions:
Hereditary cancer-predisposing syndrome. Also called: Tumor predisposition; Hereditary neoplastic syndrome; Hereditary Cancer Syndrome; Neoplastic Syndromes, Hereditary. Identifiers: Orphanet 140162, MedGen C0027672, MeSH D009386, MONDO:0015356.

Submissions (2):

Ambry Genetics
Classification: Uncertain significance for Hereditary cancer-predisposing syndrome. Last evaluated: 2026-02-05. Review status: criteria provided, single submitter. Criteria: Ambry Variant Classification Scheme 2023. Collection method: clinical testing. Allele origin: germline.
Comment: The c.1082_1086dupCCTAC variant, located in coding exon 11 of the POLE gene, results from a duplication of CCTAC at nucleotide positions 1082 to 1086, causing a translational frameshift with a predicted alternate stop codon (p.N363Pfs*21). This alteration is expected to result in loss of function by premature protein truncation or nonsense-mediated mRNA decay. Although biallelic loss of function of POLE has been associated with autosomal recessive POLE deficiency, haploinsufficiency of POLE has not been established as a mechanism of disease for POLE-related polymerase proofreading-associated polyposis (PPAP) and POLE-related CMMRD-like syndrome. Based on the supporting evidence, this variant is expected to be causative of POLE deficiency when present along with a second pathogenic variant on the other allele; however, its clinical significance for PPAP and POLE-related CMMRD-like syndrome is unclear.

Labcorp Genetics (formerly Invitae), Labcorp
Classification: Pathogenic. Last evaluated: 2022-07-06. Review status: criteria provided, single submitter. Criteria: Invitae Variant Classification Sherloc (09022015). Collection method: clinical testing. Allele origin: germline.
Comment: For these reasons, this variant has been classified as Pathogenic. ClinVar contains an entry for this variant (Variation ID: 240375). This variant has not been reported in the literature in individuals affected with POLE-related conditions. This variant is not present in population databases (gnomAD no frequency). This sequence change creates a premature translational stop signal (p.Asn363Profs*21) in the POLE gene. It is expected to result in an absent or disrupted protein product. Loss-of-function variants in POLE are known to be pathogenic (PMID: 23230001, 25948378, 30503519).

Literature cited by the submitters: PubMed 23230001 (cited by Labcorp Genetics (formerly Invitae), Labcorp); PubMed 25948378 (cited by Labcorp Genetics (formerly Invitae), Labcorp); PubMed 30503519 (cited by Labcorp Genetics (formerly Invitae), Labcorp).